The following is an entry in ClinVar:

ClinVar aggregate classification (germline): Conflicting classifications of pathogenicity. Review status: criteria provided, conflicting classifications (1 of 4 stars). 6 submissions from 6 submitters: Uncertain significance (1); Benign (2); Likely benign (1). 2 of the submissions do not count toward it. Last evaluated 2026-02-01.

Conditions:
Cardiovascular phenotype. Identifiers: MedGen CN230736.
CYP27A1-related disorder. Also called: CYP27A1-related condition.
Cholestanol storage disease (CTX). Also called: Cerebrotendinous Xanthomatosis; CTX: Cerebrotendinous xanthomatosis; CEREBRAL CHOLESTERINOSIS. Identifiers: Orphanet 909, MedGen C0238052, MONDO:0008948, OMIM 213700.

Allele frequency attached by ClinVar (database versions not stated): ExAC 0.00026; TOPMed 0.00037; 1000 Genomes Project 30x 0.00047; 1000 Genomes Project 0.00060; gnomAD 0.00010; gnomAD exomes 0.00014 and 0.00025.
gnomAD v4.1: 213 of 1,614,208 alleles (0.013%); highest among the groups gnomAD compares: East Asian, 0.45%; 1 homozygote.

Submissions (6):

Labcorp Genetics (formerly Invitae), Labcorp
Classification: Benign for Cholestanol storage disease. Last evaluated: 2026-02-01. Review status: criteria provided, single submitter. Criteria: Invitae Variant Classification Sherloc (09022015). Collection method: clinical testing. Allele origin: germline.

Ambry Genetics
Classification: Likely benign for Cardiovascular phenotype. Last evaluated: 2020-09-01. Review status: criteria provided, single submitter. Criteria: Ambry Variant Classification Scheme 2023. Collection method: clinical testing. Allele origin: germline.

Illumina Laboratory Services, Illumina
Classification: Uncertain significance for Cholestanol storage disease. Last evaluated: 2018-01-13. Review status: criteria provided, single submitter. Criteria: ICSL Variant Classification Criteria 13 December 2019. Collection method: clinical testing. Allele origin: germline.

Eurofins Ntd Llc (ga)
Classification: Benign. Last evaluated: 2016-03-25. Review status: criteria provided, single submitter. Criteria: EGL Classification Definitions 2015. Collection method: clinical testing. Allele origin: germline. Observed: 1 variant allele, 1 heterozygote.

PreventionGenetics, part of Exact Sciences
Classification: Likely benign for CYP27A1-related condition. Last evaluated: 2021-09-01. Review status: no assertion criteria provided. Collection method: clinical testing. Allele origin: germline. Not counted in ClinVar's aggregate classification.
Comment: This variant is classified as likely benign based on ACMG/AMP sequence variant interpretation guidelines (Richards et al. 2015 PMID: 25741868, with internal and published modifications).

Natera, Inc.
Classification: Likely benign for Cerebrotendinous xanthomatosis. Last evaluated: 2020-04-25. Review status: no assertion criteria provided. Collection method: clinical testing. Allele origin: germline. Not counted in ClinVar's aggregate classification.

NM_000784.4(CYP27A1):c.792G>A (p.Val264=)

Gene: CYP27A1 (cytochrome P450 family 27 subfamily A member 1; plus strand). Cytogenetic location: 2q35.
Variant type: single nucleotide variant.
Coding change: c.792G>A on transcript NM_000784.4 (MANE Select); coding-DNA position 792, G replaced by A.
Protein change: p.Val264=; no amino-acid change (valine 264 retained).
Molecular consequence: synonymous variant.
Genome position (GRCh38, 1-based): chr2:218,812,697, G>A. VCF-style: chr2-218812697-G-A. GRCh37 (hg19) VCF-style: chr2-219677420-G-A.
Identifiers: ClinVar variation 287206 (VCV000287206.23), dbSNP rs144018609, ClinGen allele CA2112718.